The following is an entry in ClinVar:

NM_005245.4(FAT1):c.7789C>T (p.Arg2597Ter)

Gene: FAT1 (FAT atypical cadherin 1; minus strand). Cytogenetic location: 4q35.2.
Variant type: single nucleotide variant.
Coding change: c.7789C>T on transcript NM_005245.4 (MANE Select); coding-DNA position 7789, C replaced by T.
Protein change: p.Arg2597Ter; replaces arginine 2597 with a stop codon.
Molecular consequence: nonsense.
Genome position (GRCh38, 1-based): chr4:186,618,797, G>A on the plus strand (C>T on the coding strand, the complement: FAT1 is on the minus strand). VCF-style: chr4-186618797-G-A. GRCh37 (hg19) VCF-style: chr4-187539951-G-A.
Other names: short protein forms R2597*.
Identifiers: ClinVar variation 1937208 (VCV001937208.5), dbSNP rs777631605, ClinGen allele CA3166002.

ClinVar aggregate classification (germline): Pathogenic (1 of 4 stars; one submission).

Allele frequency attached by ClinVar (database versions not stated): ExAC 0.00001; gnomAD 0.00001; TOPMed 0.00001.
gnomAD v4.1: 8 of 1,613,868 alleles (0.0005%); highest among the groups gnomAD compares: African/African-American, 0.0013%; no homozygotes.

Submission:

Labcorp Genetics (formerly Invitae), Labcorp
Classification: Pathogenic. Last evaluated: 2025-09-02. Review status: criteria provided, single submitter. Criteria: Invitae Variant Classification Sherloc (09022015). Collection method: clinical testing. Allele origin: germline.
Comment: This sequence change creates a premature translational stop signal (p.Arg2597*) in the FAT1 gene. It is expected to result in an absent or disrupted protein product. Loss-of-function variants in FAT1 are known to be pathogenic (PMID: 30862798). The frequency data for this variant in the population databases is considered unreliable, as metrics indicate poor data quality at this position in the gnomAD database. This variant has not been reported in the literature in individuals affected with FAT1-related conditions. ClinVar contains an entry for this variant (Variation ID: 1937208). For these reasons, this variant has been classified as Pathogenic.

Literature cited by the submitters: PubMed 30862798.